The following is an entry in ClinVar:

NM_004055.5(CAPN5):c.297+3G>C

Gene: CAPN5 (calpain 5; plus strand). Cytogenetic location: 11q13.5.
Variant type: single nucleotide variant.
Coding change: c.297+3G>C on transcript NM_004055.5 (MANE Select); 3 bases into the intron after coding-DNA position 297, G replaced by C.
Molecular consequence: intron variant.
Genome position (GRCh38, 1-based): chr11:77,093,816, G>C. VCF-style: chr11-77093816-G-C. GRCh37 (hg19) VCF-style: chr11-76804862-G-C.
Identifiers: ClinVar variation 1495296 (VCV001495296.6), dbSNP rs782631237, ClinGen allele CA939768499.

ClinVar aggregate classification (germline): Uncertain significance (1 of 4 stars; one submission).

gnomAD v4.1: 1 of 1,608,900 alleles (0.000062%); highest among the groups gnomAD compares: African/African-American, 0.0013%; no homozygotes.

Submission:

Labcorp Genetics (formerly Invitae), Labcorp
Classification: Uncertain significance. Last evaluated: 2024-09-05. Review status: criteria provided, single submitter. Criteria: Invitae Variant Classification Sherloc (09022015). Collection method: clinical testing. Allele origin: germline.
Comment: This sequence change falls in intron 3 of the CAPN5 gene. It does not directly change the encoded amino acid sequence of the CAPN5 protein. It affects a nucleotide within the consensus splice site. This variant is not present in population databases (gnomAD no frequency). This variant has not been reported in the literature in individuals affected with CAPN5-related conditions. ClinVar contains an entry for this variant (Variation ID: 1495296). Variants that disrupt the consensus splice site are a relatively common cause of aberrant splicing (PMID: 17576681, 9536098). Algorithms developed to predict the effect of sequence changes on RNA splicing suggest that this variant may create or strengthen a splice site. In summary, the available evidence is currently insufficient to determine the role of this variant in disease. Therefore, it has been classified as a Variant of Uncertain Significance.

Literature cited by the submitters: PubMed 17576681; PubMed 9536098.